The following is an entry in ClinVar:

NM_014363.6(SACS):c.9399A>G (p.Lys3133=)

Gene: SACS (sacsin molecular chaperone; minus strand). Cytogenetic location: 13q12.12.
Variant type: single nucleotide variant.
Coding change: c.9399A>G on transcript NM_014363.6 (MANE Select); coding-DNA position 9399, A replaced by G.
Protein change: p.Lys3133=; no amino-acid change (lysine 3133 retained).
Molecular consequence: synonymous variant.
Genome position (GRCh38, 1-based): chr13:23,334,477, T>C on the plus strand (A>G on the coding strand, the complement: SACS is on the minus strand). VCF-style: chr13-23334477-T-C. GRCh37 (hg19) VCF-style: chr13-23908616-T-C.
Other names: c.8958A>G, p.Lys2986= (NM_001278055.2).
Identifiers: ClinVar variation 458277 (VCV000458277.41), dbSNP rs762665640, ClinGen allele CA6910625.

ClinVar aggregate classification (germline): Conflicting classifications of pathogenicity. Review status: criteria provided, conflicting classifications (1 of 4 stars). 7 submissions from 7 submitters: Uncertain significance (1); Benign (1); Likely benign (4). 1 of the submissions does not count toward it. Last evaluated 2026-04-22.

Conditions:
Charlevoix-Saguenay spastic ataxia (SACS). Also called: SPASTIC ATAXIA 6, AUTOSOMAL RECESSIVE; Spastic ataxia of Charlevoix-Saguenay; AUTOSOMAL RECESSIVE SPASTIC ATAXIA OF CHARLEVOIX-SAGUENAY. Identifiers: Orphanet 98, MedGen C1849140, MONDO:0010041, OMIM 270550.
SACS-related disorder. Also called: SACS-related condition.
Spastic paraplegia. Identifiers: MedGen C0037772, HP:0001258.
Hereditary spastic paraplegia. Also called: Familial spastic paraparesis. Identifiers: Orphanet 685, MedGen C0037773, MONDO:0019064. Disease mechanism: loss of function.

Allele frequency attached by ClinVar (database versions not stated): TOPMed 0.00005; ExAC 0.00007; gnomAD exomes 0.00010 and 0.00011; gnomAD 0.00011 and 0.00013.
gnomAD v4.1: 181 of 1,612,672 alleles (0.011%); highest among the groups gnomAD compares: Non-Finnish European, 0.013%; no homozygotes.

Submissions (7):

PreventionGenetics, part of Exact Sciences
Classification: Likely benign for SACS-related condition. Last evaluated: 2026-04-22. Review status: criteria provided, single submitter. Criteria: ACMG Guidelines, 2015. Collection method: clinical testing. Allele origin: germline.
Comment: This variant is classified as likely benign based on ACMG/AMP sequence variant interpretation guidelines (Richards et al. 2015 PMID: 25741868, with internal and published modifications).

CeGaT Center for Human Genetics Tuebingen
Classification: Likely benign. Last evaluated: 2026-02-01. Review status: criteria provided, single submitter. Criteria: CeGaT Center For Human Genetics Tuebingen Variant Classification Criteria Version 2. Collection method: clinical testing. Allele origin: germline. Affected: yes. Observed: 3 variant alleles.
Comment: SACS: BP4, BP7

Labcorp Genetics (formerly Invitae), Labcorp
Classification: Likely benign for Spastic paraplegia. Last evaluated: 2025-04-01. Review status: criteria provided, single submitter. Criteria: Invitae Variant Classification Sherloc (09022015). Collection method: clinical testing. Allele origin: germline.

Laboratory of Genetics, Children's Clinical University Hospital Latvia
Classification: Benign. Last evaluated: 2025-02-16. Review status: criteria provided, single submitter. Criteria: ACMG Guidelines, 2015. Collection method: clinical testing. Allele origin: germline. Affected: yes.

Blueprint Genetics
Classification: Likely benign. Last evaluated: 2024-11-18. Review status: criteria provided, single submitter. Criteria: ACMG Guidelines, 2015. Collection method: clinical testing. Allele origin: germline.

Genome Diagnostics Laboratory, The Hospital for Sick Children
Classification: Uncertain significance for Hereditary spastic paraplegia. Last evaluated: 2020-10-05. Review status: criteria provided, single submitter. Criteria: ACMG Guidelines, 2015. Collection method: clinical testing. Allele origin: germline. Affected: yes.

Natera, Inc.
Classification: Likely benign for Charlevoix-Saguenay type spastic ataxia. Last evaluated: 2020-09-16. Review status: no assertion criteria provided. Collection method: clinical testing. Allele origin: germline. Not counted in ClinVar's aggregate classification.